The following is an entry in ClinVar:

ClinVar aggregate classification (germline): Uncertain significance. Review status: criteria provided, multiple submitters, no conflicts (2 of 4 stars). 2 submissions from 2 submitters: Uncertain significance (2). Last evaluated 2025-07-03.

Conditions:
Hypertrophic cardiomyopathy 2. Also called: TNNT2-Related Familial Hypertrophic Cardiomyopathy. Identifiers: MedGen C1861864, MONDO:0007266, OMIM 115195.
Dilated cardiomyopathy 1D. Identifiers: Orphanet 154, Orphanet 54260, MedGen C1832243, MONDO:0011095, OMIM 601494.
Cardiomyopathy, familial restrictive, 3. Identifiers: Orphanet 75249, MedGen C2676271, MONDO:0012900, OMIM 612422.
Cardiomyopathy (CMYO). Also called: Cardiomyopathies. Identifiers: Orphanet 167848, MedGen C0878544, MONDO:0004994, HP:0001638. Inheritance: Various modes of inheritance.

Allele frequency attached by ClinVar (database versions not stated): TOPMed below 0.00001; ExAC 0.00001; gnomAD 0.00001.
gnomAD v4.1: 6 of 1,611,036 alleles (0.00037%); highest among the groups gnomAD compares: African/African-American, 0.0013%; no homozygotes.

Submissions (2):

Color Diagnostics, LLC DBA Color Health
Classification: Uncertain significance for Cardiomyopathy. Last evaluated: 2025-07-03. Review status: criteria provided, single submitter. Criteria: ACMG Guidelines, 2015. Collection method: clinical testing. Allele origin: germline.
Comment: This variant causes a G to A nucleotide substitution at the +1 position of intron 9 of the TNNT2 gene. Splice site prediction tools suggest that this variant may have a significant impact on RNA splicing. Although this prediction has not been confirmed in published RNA studies, this variant is expected to result in an absent or disrupted protein product. This variant has been reported in an individual affected with arrhythmia (PMID: 30847666). This variant has not been identified in the general population by the Genome Aggregation Database (gnomAD). Clinical relevance of loss-of-function TNNT2 truncation and splice variants in autosomal dominant cardiovascular disorders is not clearly established. The available evidence is insufficient to determine the role of this variant in disease conclusively. Therefore, this variant is classified as a Variant of Uncertain Significance.

Labcorp Genetics (formerly Invitae), Labcorp
Classification: Uncertain significance for Cardiomyopathy, familial restrictive, 3; Hypertrophic cardiomyopathy 2; Dilated cardiomyopathy 1D. Last evaluated: 2024-11-04. Review status: criteria provided, single submitter. Criteria: Invitae Variant Classification Sherloc (09022015). Collection method: clinical testing. Allele origin: germline.
Comment: This sequence change affects a donor splice site in intron 9 of the TNNT2 gene. It is expected to disrupt RNA splicing. Variants that disrupt the donor or acceptor splice site typically lead to a loss of protein function (PMID: 16199547), however the current clinical and genetic evidence is not sufficient to establish whether loss-of-function variants in TNNT2 cause disease. This variant is not present in population databases (gnomAD no frequency). Disruption of this splice site has been observed in individual(s) with arrhythmia (PMID: 30847666). This variant is also known as c.411+1G>A. ClinVar contains an entry for this variant (Variation ID: 963817). Algorithms developed to predict the effect of sequence changes on RNA splicing suggest that this variant may disrupt the consensus splice site. In summary, the available evidence is currently insufficient to determine the role of this variant in disease. Therefore, it has been classified as a Variant of Uncertain Significance.

Literature cited by the submitters: PubMed 30847666 (cited by Color Diagnostics, LLC DBA Color Health and Labcorp Genetics (formerly Invitae), Labcorp); PubMed 16199547 (cited by Labcorp Genetics (formerly Invitae), Labcorp).

NM_001276345.2(TNNT2):c.411+1G>A

Gene: TNNT2 (troponin T2, cardiac type; minus strand). Cytogenetic location: 1q32.1.
Variant type: single nucleotide variant.
Coding change: c.411+1G>A on transcript NM_001276345.2 (MANE Select); the canonical splice donor site of the intron after coding-DNA position 411, G replaced by A.
Molecular consequence: splice donor variant. On other transcripts: intron variant (1).
Genome position (GRCh38, 1-based): chr1:201,365,190, C>T on the plus strand (G>A on the coding strand, the complement: TNNT2 is on the minus strand). VCF-style: chr1-201365190-C-T. GRCh37 (hg19) VCF-style: chr1-201334318-C-T.
Other names: c.381+1G>A (NM_001406727.1, NM_001406724.1, NM_001001431.3 and 3 more transcripts); c.366+1G>A (NM_001001432.3, NM_001406728.1); c.378+1G>A (NM_001406725.1); c.291+420G>A (NM_001276346.2); c.411+1G>A (NM_000364.4, NM_001406723.1).
Identifiers: ClinVar variation 963817 (VCV000963817.9), dbSNP rs766666484, ClinGen allele CA088988.